The following is an entry in ClinVar:

ClinVar aggregate classification (germline): Uncertain significance (1 of 4 stars; one submission).

Conditions:
Hereditary cancer-predisposing syndrome. Also called: Neoplastic Syndromes, Hereditary; Tumor predisposition; Hereditary Cancer Syndrome; Hereditary neoplastic syndrome. Identifiers: Orphanet 140162, MedGen C0027672, MeSH D009386, MONDO:0015356.

Submission:

Ambry Genetics
Classification: Uncertain significance for Hereditary cancer-predisposing syndrome. Last evaluated: 2020-02-28. Review status: criteria provided, single submitter. Criteria: Ambry Variant Classification Scheme 2023. Collection method: clinical testing. Allele origin: germline.
Comment: The c.3967_3969delTTA variant (also known as p.L1323del) is located in coding exon 20 of the DICER1 gene. This variant results from an in-frame TTA deletion at nucleotide positions 3967 to 3969. This results in the in-frame deletion of a leucine at codon 1323. This amino acid position is highly conserved in available vertebrate species. In addition, this alteration is predicted to be deleterious by in silico analysis (Choi Y et al. PLoS ONE. 2012; 7(10):e46688). Since supporting evidence is limited at this time, the clinical significance of this alteration remains unclear.

NM_177438.3(DICER1):c.3967_3969del (p.Leu1323del)

Gene: DICER1 (dicer 1, ribonuclease III; minus strand). Cytogenetic location: 14q32.13.
Variant type: Deletion.
Coding change: c.3967_3969del on transcript NM_177438.3 (MANE Select); coding-DNA positions 3967 to 3969, 3 bases deleted (TTA; older notation c.3967_3969delTTA).
Protein change: p.Leu1323del; deletes leucine 1323.
Molecular consequence: inframe deletion. On other transcripts: inframe indel (1), non-coding transcript variant (6).
Genome position (GRCh38, 1-based): chr14:95,103,427-95,103,429, TAA deleted on the plus strand (TTA on the coding strand, the reverse complement: DICER1 is on the minus strand). VCF-style (leftmost placement, unchanged base first): chr14-95103426-TTAA-T. GRCh37 (hg19) VCF-style: chr14-95569763-TTAA-T.
Other names: c.3967_3969del, p.Leu1323del (NM_001195573.1, NM_001271282.3, NM_001291628.2 and 12 more transcripts); c.3967_3969delTTA, p.Leu1323del (NM_001395681.1); c.3685_3687del, p.Leu1229del (NM_001395686.1); c.3562_3564del, p.Leu1188del (NM_001395687.1, NM_001395688.1, NM_001395689.1 and 2 more transcripts); c.3400_3402del, p.Leu1134del (NM_001395691.1); c.2284_2286del, p.Leu762del (NM_001395697.1); short protein forms L1134del, L1229del, L1323del, L762del, L1188del.
Identifiers: ClinVar variation 1736563 (VCV001736563.2), dbSNP rs2542687045, ClinGen allele CA2580089225.